The following is an entry in ClinVar:

ClinVar aggregate classification (germline): Likely pathogenic (1 of 4 stars; one submission).

Conditions:
Cone dystrophy. Identifiers: Orphanet 1871, MedGen C0730290, MONDO:0000455.

Submission:

Lab De Baere, Eye and Developmental Genetics Lab, Ghent University
Classification: Likely pathogenic for Cone dystrophy. Last evaluated: 2024-10-01. Review status: criteria provided, single submitter. Criteria: ACMG Guidelines, 2015. Collection method: research. Allele origin: inherited. Affected: yes. Observed: 1 variant allele.
Comment: ACMG/AMP guidelines: PM2, PP4_PP, PP3, PP1, PM3_PP

NM_006204.4(PDE6C):c.1721T>C (p.Met574Thr)

Gene: PDE6C (phosphodiesterase 6C; plus strand). Cytogenetic location: 10q23.33.
Variant type: single nucleotide variant.
Coding change: c.1721T>C on transcript NM_006204.4 (MANE Select); coding-DNA position 1721, T replaced by C.
Protein change: p.Met574Thr; replaces methionine 574 with threonine.
Molecular consequence: missense variant.
Genome position (GRCh38, 1-based): chr10:93,640,541, T>C. VCF-style: chr10-93640541-T-C. GRCh37 (hg19) VCF-style: chr10-95400298-T-C.
Other names: short protein forms M574T.
Identifiers: ClinVar variation 3544496 (VCV003544496.1).